The following is an entry in ClinVar:

NM_015374.3(SUN2):c.19C>T (p.Arg7Cys)

Gene: SUN2 (Sad1 and UNC84 domain containing 2; minus strand). Cytogenetic location: 22q13.1.
Variant type: single nucleotide variant.
Coding change: c.19C>T on transcript NM_015374.3 (MANE Select); coding-DNA position 19, C replaced by T.
Protein change: p.Arg7Cys; replaces arginine 7 with cysteine.
Molecular consequence: missense variant.
Genome position (GRCh38, 1-based): chr22:38,752,610, G>A on the plus strand (C>T on the coding strand, the complement: SUN2 is on the minus strand). VCF-style: chr22-38752610-G-A. GRCh37 (hg19) VCF-style: chr22-39148615-G-A.
Other names: c.19C>T, p.Arg7Cys (NM_001199579.2, NM_001199580.2, NM_001394427.1 and 18 more transcripts); short protein forms R7C.
Identifiers: ClinVar variation 2701826 (VCV002701826.4), dbSNP rs144222408, ClinGen allele CA10236136.

ClinVar aggregate classification (germline): Uncertain significance. Review status: criteria provided, multiple submitters, no conflicts (2 of 4 stars). 2 submissions from 2 submitters: Uncertain significance (2). Last evaluated 2023-09-18.

Conditions:
Emery-Dreifuss muscular dystrophy (EDMD). Also called: Scapuloperoneal syndrome, X-linked (formerly); Humeroperoneal neuromuscular disease, (formerly). Identifiers: Orphanet 261, MedGen C0410189, MONDO:0016830.

Allele frequency attached by ClinVar (database versions not stated): ExAC 0.00003; gnomAD 0.00004; TOPMed 0.00005; ESP Exome Variant Server 0.00015.

Submissions (2):

Labcorp Genetics (formerly Invitae), Labcorp
Classification: Uncertain significance for Emery-Dreifuss muscular dystrophy. Last evaluated: 2023-09-18. Review status: criteria provided, single submitter. Criteria: Invitae Variant Classification Sherloc (09022015). Collection method: clinical testing. Allele origin: germline.
Comment: This sequence change replaces arginine, which is basic and polar, with cysteine, which is neutral and slightly polar, at codon 7 of the SUN2 protein (p.Arg7Cys). The frequency data for this variant in the population databases is considered unreliable, as metrics indicate poor data quality at this position in the gnomAD database. This variant has not been reported in the literature in individuals affected with SUN2-related conditions. An algorithm developed to predict the effect of missense changes on protein structure and function (PolyPhen-2) suggests that this variant is likely to be disruptive. In summary, the available evidence is currently insufficient to determine the role of this variant in disease. Therefore, it has been classified as a Variant of Uncertain Significance.

Breakthrough Genomics
Classification: Uncertain significance. Review status: criteria provided, single submitter. Criteria: ACMG Guidelines, 2015. Collection method: not provided. Allele origin: germline. Inheritance: Autosomal dominant inheritance. Affected: yes.